The following is an entry in ClinVar:

ClinVar aggregate classification (germline): Likely pathogenic. Review status: criteria provided, multiple submitters, no conflicts (2 of 4 stars). 3 submissions from 3 submitters: Likely pathogenic (3). Last evaluated 2026-09-14.

Conditions:
Hereditary cancer-predisposing syndrome. Also called: Hereditary Cancer Syndrome; Tumor predisposition; Neoplastic Syndromes, Hereditary; Hereditary neoplastic syndrome. Identifiers: Orphanet 140162, MedGen C0027672, MeSH D009386, MONDO:0015356.
Familial adenomatous polyposis 1 (FAP1). Also called: POLYPOSIS, ADENOMATOUS INTESTINAL; FAMILIAL ADENOMATOUS POLYPOSIS 1, ATTENUATED. Identifiers: MedGen C2713442, MONDO:0021056, OMIM 175100. Disease mechanism: loss of function.

Submissions (3):

Ambry Genetics
Classification: Likely pathogenic for Hereditary cancer-predisposing syndrome. Last evaluated: 2026-09-14. Review status: criteria provided, single submitter. Criteria: Ambry Variant Classification Scheme 2023. Collection method: clinical testing. Allele origin: germline.
Comment: The c.1626+1G>T intronic variant results from a G to T substitution one nucleotide after coding exon 12 of the APC gene. Variants that disrupt the canonical splice site are expected to result in aberrant splicing. In silico splice site analysis predicts that this alteration will weaken the native splice donor site. A resulting transcript is predicted to be in-frame and is not expected to trigger nonsense-mediated mRNAdecay; although, direct evidence is unavailable. However, the region predicted to be impacted is critical for protein function (Ambry internal data). This variant is considered to be rare based on population cohorts in the Genome Aggregation Database (gnomAD). This nucleotide position is highly conserved in available vertebrate species. Based on the majority of available evidence to date, this variant is likely to be pathogenic.

Myriad Genetics, Inc.
Classification: Likely pathogenic for Familial adenomatous polyposis 1. Last evaluated: 2023-05-02. Review status: criteria provided, single submitter. Criteria: Myriad Autosomal Dominant, Autosomal Recessive and X-Linked Classification Criteria (2023). Collection method: clinical testing. Allele origin: unknown.
Comment: This variant is considered likely pathogenic. This variant occurs within a consensus splice junction and is predicted to result in abnormal mRNA splicing of either an out-of-frame exon or an in-frame exon necessary for protein stability and/or normal function.

Labcorp Genetics (formerly Invitae), Labcorp
Classification: Likely pathogenic for Familial adenomatous polyposis 1. Last evaluated: 2021-06-26. Review status: criteria provided, single submitter. Criteria: Invitae Variant Classification Sherloc (09022015). Collection method: clinical testing. Allele origin: germline.
Comment: In summary, the currently available evidence indicates that the variant is pathogenic, but additional data are needed to prove that conclusively. Therefore, this variant has been classified as Likely Pathogenic. Algorithms developed to predict the effect of sequence changes on RNA splicing suggest that this variant may disrupt the consensus splice site, but this prediction has not been confirmed by published transcriptional studies. This variant has not been reported in the literature in individuals with APC-related conditions. This variant is not present in population databases (ExAC no frequency). This sequence change affects a donor splice site in intron 13 of the APC gene. It is expected to disrupt RNA splicing. Variants that disrupt the donor or acceptor splice site typically lead to a loss of protein function (PMID: 16199547), and loss-of-function variants in APC are known to be pathogenic (PMID: 17963004, 20685668).

Literature cited by the submitters: PubMed 16199547 (cited by Labcorp Genetics (formerly Invitae), Labcorp); PubMed 17963004 (cited by Labcorp Genetics (formerly Invitae), Labcorp); PubMed 20685668 (cited by Labcorp Genetics (formerly Invitae), Labcorp).

NM_000038.6(APC):c.1626+1G>T

Gene: APC (APC regulator of Wnt signaling pathway; plus strand). Cytogenetic location: 5q22.2.
Variant type: single nucleotide variant.
Coding change: c.1626+1G>T on transcript NM_000038.6 (MANE Select); the canonical splice donor site of the intron after coding-DNA position 1626, G replaced by T.
Molecular consequence: splice donor variant.
Genome position (GRCh38, 1-based): chr5:112,828,007, G>T. VCF-style: chr5-112828007-G-T. GRCh37 (hg19) VCF-style: chr5-112163704-G-T.
Other names: c.1626+1G>T (NM_000038.5, NM_001354895.2, NM_001407450.1 and 1 more transcripts); c.777+1G>T (NM_001407470.1, NM_001354906.2); c.474+1G>T (NM_001407472.1, NM_001407471.1); c.1680+1G>T (NM_001407447.1, NM_001407448.1, NM_001407449.1 and 1 more transcripts); c.1377+1G>T (NM_001407456.1, NM_001407457.1, NM_001407455.1 and 1 more transcripts); c.1323+1G>T (NM_001407460.1, NM_001407458.1, NM_001407459.1 and 1 more transcripts); c.1596+1G>T (NM_001407452.1); c.1239+1G>T (NM_001407469.1, NM_001407467.1); and 11 more.
Identifiers: ClinVar variation 1480537 (VCV001480537.11), dbSNP rs1554081934, ClinGen allele CA360620038.